The following is an entry in ClinVar:

NM_000525.4(KCNJ11):c.541C>T (p.Leu181Phe)

Gene: KCNJ11 (potassium inwardly rectifying channel subfamily J member 11; minus strand). Cytogenetic location: 11p15.1.
Variant type: single nucleotide variant.
Coding change: c.541C>T on transcript NM_000525.4 (MANE Select); coding-DNA position 541, C replaced by T.
Protein change: p.Leu181Phe; replaces leucine 181 with phenylalanine.
Molecular consequence: missense variant.
Genome position (GRCh38, 1-based): chr11:17,387,551, G>A on the plus strand (C>T on the coding strand, the complement: KCNJ11 is on the minus strand). VCF-style: chr11-17387551-G-A. GRCh37 (hg19) VCF-style: chr11-17409098-G-A.
Other names: c.280C>T, p.Leu94Phe (NM_001166290.2, NM_001377296.1, NM_001377297.1); short protein forms L181F, L94F.
Identifiers: ClinVar variation 586104 (VCV000586104.2), dbSNP rs1564865434, ClinGen allele CA379772866.

ClinVar aggregate classification (germline): Uncertain significance. Review status: criteria provided, multiple submitters, no conflicts (2 of 4 stars). 2 submissions from 2 submitters: Uncertain significance (2). Last evaluated 2018-05-09.

Conditions:
Maturity-onset diabetes of the young (MODY). Also called: Maturity onset diabetes mellitus in young. Identifiers: Orphanet 552, MedGen C0342276, MONDO:0018911, HP:0004904.

Submissions (2):

Athena Diagnostics
Classification: Uncertain significance. Last evaluated: 2018-05-09. Review status: criteria provided, single submitter. Criteria: Athena Diagnostics Criteria. Collection method: clinical testing. Allele origin: germline.

Clinical Genomics, Uppaluri K&H Personalized Medicine Clinic
Classification: Uncertain significance for Maturity-onset diabetes of the young. Review status: criteria provided, single submitter. Criteria: K & H Uppaluri Personalized Medicine Clinic Variant Classification & Assertion Criteria_Updated V.1. Collection method: research. Allele origin: somatic. Inheritance: Autosomal dominant inheritance.
Comment: Mutations in KCNJ11 gene can cause decreased production and secretion of insulin. This can lead to MODY which may be responsive to oral sulfonylureas. It is also associated with Neonatal Diabetes. However, no sufficient evidence is found to ascertain the role of this particular variant (rs1564865434) in MODY yet.

Literature cited by the submitters: PubMed 26448950 (cited by Clinical Genomics, Uppaluri K&H Personalized Medicine Clinic); PubMed 15580558 (cited by Clinical Genomics, Uppaluri K&H Personalized Medicine Clinic); PubMed 15718250 (cited by Clinical Genomics, Uppaluri K&H Personalized Medicine Clinic); PubMed 32935446 (cited by Clinical Genomics, Uppaluri K&H Personalized Medicine Clinic); PubMed 22701567 (cited by Clinical Genomics, Uppaluri K&H Personalized Medicine Clinic).